The following is an entry in ClinVar:

NM_001844.5(COL2A1):c.2409+108C>T

Gene: COL2A1 (collagen type II alpha 1 chain; minus strand). Cytogenetic location: 12q13.11.
Variant type: single nucleotide variant.
Coding change: c.2409+108C>T on transcript NM_001844.5 (MANE Select); 108 bases into the intron after coding-DNA position 2409, C replaced by T.
Molecular consequence: intron variant.
Genome position (GRCh38, 1-based): chr12:47,981,668, G>A on the plus strand (C>T on the coding strand, the complement: COL2A1 is on the minus strand). VCF-style: chr12-47981668-G-A. GRCh37 (hg19) VCF-style: chr12-48375451-G-A.
Other names: c.2202+108C>T (NM_033150.3).
Identifiers: ClinVar variation 675116 (VCV000675116.2), dbSNP rs75703301, ClinGen allele CA236523871.

ClinVar aggregate classification (germline): Benign. Review status: criteria provided, multiple submitters, no conflicts (2 of 4 stars). 2 submissions from 2 submitters: Benign (2). Last evaluated 2018-06-14.

Allele frequency attached by ClinVar (database versions not stated): 1000 Genomes Project 0.02736; 1000 Genomes Project 30x 0.02951; TOPMed 0.04701; gnomAD 0.05328 and 0.05542.
gnomAD v4.1: 76,177 of 1,302,188 alleles (5.8%); highest among the groups gnomAD compares: Non-Finnish European, 6.9%; 2,620 homozygotes.

Submissions (2):

GeneDx
Classification: Benign. Last evaluated: 2018-06-14. Review status: criteria provided, single submitter. Criteria: GeneDx Variant Classification (06012015). Collection method: clinical testing. Allele origin: germline. Affected: yes.
Comment: This variant is considered likely benign or benign based on one or more of the following criteria: it is a conservative change, it occurs at a poorly conserved position in the protein, it is predicted to be benign by multiple in silico algorithms, and/or has population frequency not consistent with disease.

Breakthrough Genomics
Classification: Benign. Review status: criteria provided, single submitter. Criteria: ACMG Guidelines, 2015. Collection method: not provided. Allele origin: germline. Inheritance: Autosomal dominant inheritance. Affected: yes.